The following is an entry in ClinVar:

NM_000179.3(MSH6):c.992C>G (p.Ser331Ter)

Gene: MSH6 (mutS homolog 6; plus strand). Cytogenetic location: 2p16.3.
Variant type: single nucleotide variant.
Coding change: c.992C>G on transcript NM_000179.3 (MANE Select); coding-DNA position 992, C replaced by G.
Protein change: p.Ser331Ter; replaces serine 331 with a stop codon.
Molecular consequence: nonsense. On other transcripts: non-coding transcript variant (4), intron variant (1).
Genome position (GRCh38, 1-based): chr2:47,798,975, C>G. VCF-style: chr2-47798975-C-G. GRCh37 (hg19) VCF-style: chr2-48026114-C-G.
Other names: c.602C>G, p.Ser201Ter (NM_001281492.2); c.86C>G, p.Ser29Ter (NM_001281493.2, NM_001281494.2, NM_001406811.1 and 6 more transcripts); c.1088C>G, p.Ser363Ter (NM_001406795.1, NM_001406802.1); c.992C>G, p.Ser331Ter (NM_001406796.1, NM_001406798.1, NM_001406800.1 and 4 more transcripts); c.695C>G, p.Ser232Ter (NM_001406797.1, NM_001406801.1, NM_001406805.1 and 10 more transcripts); c.467C>G, p.Ser156Ter (NM_001406799.1, NM_001406806.1, NM_001406807.1); c.914C>G, p.Ser305Ter (NM_001406804.1); c.998C>G, p.Ser333Ter (NM_001406813.1); and 2 more; short protein forms S156*, S201*, S232*, S275*, S29*, S305*, S331*, S333*.
Identifiers: ClinVar variation 3230596 (VCV003230596.2), dbSNP rs1669281225, ClinGen allele CA346741118.

ClinVar aggregate classification (germline): Pathogenic. Review status: criteria provided, multiple submitters, no conflicts (2 of 4 stars). 2 submissions from 2 submitters: Pathogenic (2). Last evaluated 2025-02-06.

Conditions:
Hereditary cancer-predisposing syndrome. Also called: Neoplastic Syndromes, Hereditary; Tumor predisposition; Hereditary neoplastic syndrome; Hereditary Cancer Syndrome. Identifiers: Orphanet 140162, MedGen C0027672, MeSH D009386, MONDO:0015356.
Lynch syndrome 5 (LYNCH5). Also called: Colorectal cancer, hereditary nonpolyposis, type 5; Hereditary non-polyposis colorectal cancer, type 5. Identifiers: Orphanet 144, MedGen C1833477, MONDO:0013710, OMIM 614350. Disease mechanism: loss of function.

Submissions (2):

Myriad Genetics, Inc.
Classification: Pathogenic for Lynch syndrome 5. Last evaluated: 2025-02-06. Review status: criteria provided, single submitter. Criteria: Myriad Autosomal Dominant, Autosomal Recessive and X-Linked Classification Criteria (2023). Collection method: clinical testing. Allele origin: unknown.
Comment: This variant is considered pathogenic. This variant creates a termination codon and is predicted to result in premature protein truncation.

Ambry Genetics
Classification: Pathogenic for Hereditary cancer-predisposing syndrome. Last evaluated: 2024-02-21. Review status: criteria provided, single submitter. Criteria: Ambry Variant Classification Scheme 2023. Collection method: clinical testing. Allele origin: germline.
Comment: The p.S331* pathogenic mutation (also known as c.992C>G), located in coding exon 4 of the MSH6 gene, results from a C to G substitution at nucleotide position 992. This changes the amino acid from a serine to a stop codon within coding exon 4. This alteration is expected to result in loss of function by premature protein truncation or nonsense-mediated mRNA decay. As such, this alteration is interpreted as a disease-causing mutation.